The following is an entry in ClinVar:

NM_005869.4(CWC27):c.121A>C (p.Ile41Leu)

Gene: CWC27 (CWC27 spliceosome associated cyclophilin; plus strand). Cytogenetic location: 5q12.3.
Variant type: single nucleotide variant.
Coding change: c.121A>C on transcript NM_005869.4 (MANE Select); coding-DNA position 121, A replaced by C.
Protein change: p.Ile41Leu; replaces isoleucine 41 with leucine.
Molecular consequence: missense variant.
Genome position (GRCh38, 1-based): chr5:64,774,769, A>C. VCF-style: chr5-64774769-A-C. GRCh37 (hg19) VCF-style: chr5-64070596-A-C.
Other names: c.121A>C, p.Ile41Leu (NM_001297644.1, NM_001297645.2, NM_001318000.2 and 1 more transcripts); short protein forms I41L.
Identifiers: ClinVar variation 843494 (VCV000843494.12), dbSNP rs201232840, ClinGen allele CA359839546.
Genomic context (GRCh38, chr5:64,774,769, plus strand): 5'-GCTGGAGATATTGACATAGAGTTGTGGTCCAAAGAAGCTCCTAAAGCTTGCAGAAATTTT[A>C]TCCAACTTTGTTTGGAAGGTATGTTGACTTTTATTCTACTGGAGAAATTCTTGTTAATTT-3'
Protein context (NP_005860.2, residues 31-51): KEAPKACRNF[Ile41Leu]QLCLEAYYDN

ClinVar aggregate classification (germline): Uncertain significance. Review status: criteria provided, multiple submitters, no conflicts (2 of 4 stars). 2 submissions from 2 submitters: Uncertain significance (2). Last evaluated 2024-07-30.

Allele frequency attached by ClinVar (database versions not stated): TOPMed 0.00001.
gnomAD v4.1: 11 of 1,589,548 alleles (0.00069%); highest among the groups gnomAD compares: Non-Finnish European, 0.00086%; no homozygotes.

Submissions (2):

Blueprint Genetics
Classification: Uncertain significance. Last evaluated: 2024-07-30. Review status: criteria provided, single submitter. Criteria: ACMG Guidelines, 2015. Collection method: clinical testing. Allele origin: germline.

Labcorp Genetics (formerly Invitae), Labcorp
Classification: Uncertain significance. Last evaluated: 2023-07-21. Review status: criteria provided, single submitter. Criteria: Invitae Variant Classification Sherloc (09022015). Collection method: clinical testing. Allele origin: germline.
Comment: This sequence change replaces isoleucine, which is neutral and non-polar, with leucine, which is neutral and non-polar, at codon 41 of the CWC27 protein (p.Ile41Leu). This variant is not present in population databases (gnomAD no frequency). This variant has not been reported in the literature in individuals affected with CWC27-related conditions. ClinVar contains an entry for this variant (Variation ID: 843494). An algorithm developed to predict the effect of missense changes on protein structure and function (PolyPhen-2) suggests that this variant is likely to be tolerated. In summary, the available evidence is currently insufficient to determine the role of this variant in disease. Therefore, it has been classified as a Variant of Uncertain Significance.